The following is an entry in ClinVar:

ClinVar aggregate classification (germline): Conflicting classifications of pathogenicity. Review status: criteria provided, conflicting classifications (1 of 4 stars). 6 submissions from 6 submitters: Pathogenic (1); Likely pathogenic (1); Uncertain significance (3). 1 of the submissions does not count toward it. Last evaluated 2025-12-31.

Conditions:
EFEMP1-related disorders.
Glaucoma 1, open angle, H. Also called: GLC1H. Identifiers: MedGen C1969811, OMIM 611276, MONDO:0012646.
Doyne honeycomb retinal dystrophy (DHRD). Also called: DOYNE HONEYCOMB DEGENERATION OF RETINA; MALATTIA LEVENTINESE; DRUSEN, RADIAL, AUTOSOMAL DOMINANT. Identifiers: Orphanet 75376, MedGen C1832174, MONDO:0007471, OMIM 126600.

Allele frequency attached by ClinVar (database versions not stated): TOPMed 0.00001.
gnomAD v4.1: 8 of 1,614,044 alleles (0.0005%); highest among the groups gnomAD compares: South Asian, 0.0022%; no homozygotes.

Submissions (6):

Labcorp Genetics (formerly Invitae), Labcorp
Classification: Pathogenic. Last evaluated: 2025-12-31. Review status: criteria provided, single submitter. Criteria: Invitae Variant Classification Sherloc (09022015). Collection method: clinical testing. Allele origin: germline.
Comment: This sequence change replaces arginine, which is basic and polar, with tryptophan, which is neutral and slightly polar, at codon 140 of the EFEMP1 protein (p.Arg140Trp). This variant is present in population databases (rs756065296, gnomAD 0.003%). This missense change has been observed in individual(s) with autosomal dominant primary open-angle glaucoma and/or clinical features of glaucoma (PMID: 26162006). It has also been observed to segregate with disease in related individuals. ClinVar contains an entry for this variant (Variation ID: 197709). An algorithm developed to predict the effect of missense changes on protein structure and function (PolyPhen-2) suggests that this variant is likely to be disruptive. Experimental studies have shown that this missense change affects EFEMP1 function (PMID: 26162006, 34923728). For these reasons, this variant has been classified as Pathogenic.

Blueprint Genetics
Classification: Likely pathogenic for EFEMP1-related disorders. Last evaluated: 2023-10-24. Review status: criteria provided, single submitter. Criteria: ACMG Guidelines, 2015. Collection method: clinical testing. Allele origin: germline. Affected: yes. Observed: 5 variant alleles.

Revvity Omics, Revvity
Classification: Uncertain significance for Doyne honeycomb retinal dystrophy. Last evaluated: 2021-11-23. Review status: criteria provided, single submitter. Criteria: ACMG Guidelines, 2015. Collection method: clinical testing. Allele origin: germline.

GeneDx
Classification: Uncertain significance. Last evaluated: 2017-08-11. Review status: criteria provided, single submitter. Criteria: GeneDx Variant Classification (06012015). Collection method: clinical testing. Allele origin: germline. Affected: yes.
Comment: The R140W variant in the EFEMP1 gene has been reported previously, in the heterozygous state, segregating with autosomal dominant primary open angle glaucoma in an African American family with multiple affected family members (Mackay et al., 2015). The R140W variant is observed in 1/16512 (0.006%) alleles from individuals of South Asian background, in the ExAC dataset (Lek et al., 2016). The R140W variant is a non-conservative amino acid substitution, which is likely to impact secondary protein structure as these residues differ in polarity, charge, size and/or other properties. This substitution occurs at a position that is conserved in mammals. Transient expression studies showed increased levels of mutant protein in cell lysates compared to wild type (Mackay et al., 2015). We interpret R140W as a variant of uncertain significance.

Eurofins Ntd Llc (ga)
Classification: Uncertain significance. Last evaluated: 2015-01-22. Review status: criteria provided, single submitter. Criteria: EGL Classification Definitions 2015. Collection method: clinical testing. Allele origin: germline. Observed: 1 variant allele, 1 heterozygote.

OMIM
Classification: Pathogenic for GLAUCOMA 1, OPEN ANGLE, H. Last evaluated: 2024-03-18. Review status: no assertion criteria provided. Collection method: literature only. Allele origin: germline. Not counted in ClinVar's aggregate classification.

Literature cited by the submitters: PubMed 26162006 (cited by Labcorp Genetics (formerly Invitae), Labcorp and OMIM); PubMed 34923728 (cited by Labcorp Genetics (formerly Invitae), Labcorp); Collantes, E. R. A., Delfin, M. S., Fan, B., Torregosa, J. M. R., Siguan-Bell, C., Vincent de Guzman Florcruz, N., Martinez, J. M. D., Joy Masna-Hidalgo, B., Guzman, V. P. T., Anotado-Flores, J. F., Levina, F. D., Hernandez, S. R. C., Collantes, A. A., Sibulo, M. C., Rong, S., Wiggs, J. L. EFEMP1 rare variants cause familial juvenile-onset open-angle glaucoma. Hum. Mutat. 43: 1343, 2022. Note: Erratum: Hum. Mutat. 43: 1343 only, 2022. (cited by OMIM).

NM_001039348.3(EFEMP1):c.418C>T (p.Arg140Trp)

Gene: EFEMP1 (EGF-like fibulin extracellular matrix protein 1; minus strand). Cytogenetic location: 2p16.1.
Variant type: single nucleotide variant.
Coding change: c.418C>T on transcript NM_001039348.3 (MANE Select); coding-DNA position 418, C replaced by T.
Protein change: p.Arg140Trp; replaces arginine 140 with tryptophan.
Molecular consequence: missense variant.
Genome position (GRCh38, 1-based): chr2:55,917,764, G>A on the plus strand (C>T on the coding strand, the complement: EFEMP1 is on the minus strand). VCF-style: chr2-55917764-G-A. GRCh37 (hg19) VCF-style: chr2-56144899-G-A.
Other names: c.418C>T, p.Arg140Trp (NM_001039349.3); short protein forms R140W.
Identifiers: ClinVar variation 197709 (VCV000197709.21), dbSNP rs756065296, ClinGen allele CA245997.